The following is an entry in ClinVar:

NM_012463.4(ATP6V0A2):c.658A>G (p.Ile220Val)

Gene: ATP6V0A2 (ATPase H+ transporting V0 subunit a2; plus strand). Cytogenetic location: 12q24.31.
Variant type: single nucleotide variant.
Coding change: c.658A>G on transcript NM_012463.4 (MANE Select); coding-DNA position 658, A replaced by G.
Protein change: p.Ile220Val; replaces isoleucine 220 with valine.
Molecular consequence: missense variant.
Genome position (GRCh38, 1-based): chr12:123,733,935, A>G. VCF-style: chr12-123733935-A-G. GRCh37 (hg19) VCF-style: chr12-124218482-A-G.
Other names: short protein forms I220V.
Identifiers: ClinVar variation 1307181 (VCV001307181.6), dbSNP rs763991801, ClinGen allele CA6861699.
Genomic context (GRCh38, chr12:123,733,935, plus strand): 5'-TAGAAGTTTATACACGCAGAAATAACACTTATCCTTATTCATTCTTTGTAGGGGGAAGTC[A>G]TAAAATGGTATGTCTTTTTAATATCCTTTTGGGGAGAGCAGATTGGCCACAAGGTTAAGA-3'
Protein context (NP_036595.2, residues 210-230): SLEDPETGEV[Ile220Val]KWYVFLISFW

ClinVar aggregate classification (germline): Uncertain significance. Review status: criteria provided, multiple submitters, no conflicts (2 of 4 stars). 2 submissions from 2 submitters: Uncertain significance (2). Last evaluated 2024-02-29.

Conditions:
ALG9 congenital disorder of glycosylation (CDG1L). Also called: CDG Il; CONGENITAL DISORDER OF GLYCOSYLATION, TYPE Il; ALG9-CDG. Identifiers: Orphanet 79328, MedGen C2931006, MONDO:0012117, OMIM 608776.

Allele frequency attached by ClinVar (database versions not stated): gnomAD exomes 0.00002; ExAC 0.00004; gnomAD 0.00011 and 0.00014; TOPMed 0.00011.
gnomAD v4.1: 48 of 1,612,774 alleles (0.003%); highest among the groups gnomAD compares: Middle Eastern, 0.066%; no homozygotes.

Submissions (2):

GeneDx
Classification: Uncertain significance. Last evaluated: 2024-02-29. Review status: criteria provided, single submitter. Criteria: GeneDx Variant Classification Process June 2021. Collection method: clinical testing. Allele origin: germline. Affected: yes.
Comment: In silico analysis supports that this missense variant does not alter protein structure/function; Has not been previously published as pathogenic or benign to our knowledge

Labcorp Genetics (formerly Invitae), Labcorp
Classification: Uncertain significance for ALG9 congenital disorder of glycosylation. Last evaluated: 2022-07-17. Review status: criteria provided, single submitter. Criteria: Invitae Variant Classification Sherloc (09022015). Collection method: clinical testing. Allele origin: germline.
Comment: This sequence change replaces isoleucine, which is neutral and non-polar, with valine, which is neutral and non-polar, at codon 220 of the ATP6V0A2 protein (p.Ile220Val). This variant is present in population databases (rs763991801, gnomAD 0.05%). This variant has not been reported in the literature in individuals affected with ATP6V0A2-related conditions. ClinVar contains an entry for this variant (Variation ID: 1307181). Algorithms developed to predict the effect of missense changes on protein structure and function output the following: SIFT: "Tolerated"; PolyPhen-2: "Benign"; Align-GVGD: "Class C0". The valine amino acid residue is found in multiple mammalian species, which suggests that this missense change does not adversely affect protein function. In summary, the available evidence is currently insufficient to determine the role of this variant in disease. Therefore, it has been classified as a Variant of Uncertain Significance.